The following is an entry in ClinVar:

ClinVar aggregate classification (germline): Conflicting classifications of pathogenicity. Review status: criteria provided, conflicting classifications (1 of 4 stars). 3 submissions from 3 submitters: Pathogenic (1); Likely pathogenic (1); Uncertain significance (1). Last evaluated 2025-06-06.

Conditions:
Retinal dystrophy. Also called: Inherited retinal dystrophy. Identifiers: Orphanet 71862, MedGen C0854723, MeSH D058499, MONDO:0019118, HP:0000556.

gnomAD v4.1: 7 of 1,593,786 alleles (0.00044%); highest among the groups gnomAD compares: Admixed American, 0.0051%; no homozygotes.

Submissions (3):

Ocular Genomics Institute, Massachusetts Eye and Ear
Classification: Pathogenic for Retinal dystrophy. Last evaluated: 2025-06-06. Review status: criteria provided, single submitter. Criteria: ACMG Guidelines, 2015. Collection method: research. Allele origin: germline. Affected: yes. Observed: 1 variant allele.
Comment: The NM_144643.4 c.778-2A>T is a canonical splicing variant in SCLT1, predicted to cause skipping of exon 11 (PVS1). This variant was found for the first time in two sibs of an Argentinian family with non-syndromic retinal degeneration (PP1). This variant is rare in GnomADv4 (PM2).

Labcorp Genetics (formerly Invitae), Labcorp
Classification: Likely pathogenic. Last evaluated: 2025-03-17. Review status: criteria provided, single submitter. Criteria: Invitae Variant Classification Sherloc (09022015). Collection method: clinical testing. Allele origin: germline.
Comment: This sequence change affects an acceptor splice site in intron 10 of the SCLT1 gene. It is expected to disrupt RNA splicing. Variants that disrupt the donor or acceptor splice site typically lead to a loss of protein function (PMID: 16199547), and loss-of-function variants in SCLT1 are known to be pathogenic (PMID: 28005958). This variant is present in population databases (no rsID available, gnomAD 0.006%). Disruption of this splice site has been observed in individual(s) with retinitis pigmentosa (PMID: 28005958). ClinVar contains an entry for this variant (Variation ID: 3378007). Algorithms developed to predict the effect of sequence changes on RNA splicing suggest that this variant may disrupt the consensus splice site. In summary, the currently available evidence indicates that the variant is pathogenic, but additional data are needed to prove that conclusively. Therefore, this variant has been classified as Likely Pathogenic.

GeneDx
Classification: Uncertain significance. Last evaluated: 2022-07-20. Review status: criteria provided, single submitter. Criteria: GeneDx Variant Classification Process June 2021. Collection method: clinical testing. Allele origin: germline. Affected: yes.
Comment: Canonical splice site variant in a gene or region of a gene for which loss of function is not a well-established mechanism of disease; Variants in candidate genes are classified as variants of uncertain significance in accordance with ACMG guidelines (Richards et al., 2015); Identified in an individual with retinitis pigmentosa in published literature (de Castro-Miro et al., 2016); This variant is associated with the following publications: (PMID: 28005958)

Literature cited by the submitters: PubMed 28005958 (cited by Ocular Genomics Institute, Massachusetts Eye and Ear and Labcorp Genetics (formerly Invitae), Labcorp); PubMed 16199547 (cited by Labcorp Genetics (formerly Invitae), Labcorp).

NM_144643.4(SCLT1):c.778-2A>T

Gene: SCLT1 (sodium channel and clathrin linker 1; minus strand). Cytogenetic location: 4q28.2.
Variant type: single nucleotide variant.
Coding change: c.778-2A>T on transcript NM_144643.4 (MANE Select); the canonical splice acceptor site of the intron before coding-DNA position 778, A replaced by T.
Molecular consequence: splice acceptor variant.
Genome position (GRCh38, 1-based): chr4:128,965,320, T>A on the plus strand (A>T on the coding strand, the complement: SCLT1 is on the minus strand). VCF-style: chr4-128965320-T-A. GRCh37 (hg19) VCF-style: chr4-129886475-T-A.
Other names: c.778-2A>T (NM_001410807.1).
Identifiers: ClinVar variation 3378007 (VCV003378007.4).
Genomic context (GRCh38, chr4:128,965,320, plus strand): 5'-TGCTGTAAACGCCTATCTGATGCTTCCTCTCTTCCATGGGCAGACACCACATCCTTCTCC[T>A]AGAAAATAAAGAAACTAGAAGCTTACTTTGAGTATGTGAAAATTCAATACACCATTATAC-3'